The following is an entry in ClinVar:

NM_001320752.2(STS):c.65C>T (p.Pro22Leu)

Gene: STS (steroid sulfatase; plus strand). Cytogenetic location: Xp22.31.
Variant type: single nucleotide variant.
Coding change: c.65C>T on transcript NM_001320752.2 (MANE Select); coding-DNA position 65, C replaced by T.
Protein change: p.Pro22Leu; replaces proline 22 with leucine.
Molecular consequence: missense variant.
Genome position (GRCh38, 1-based): chrX:7,253,264, C>T. VCF-style: chrX-7253264-C-T. GRCh37 (hg19) VCF-style: chrX-7171305-C-T.
Other names: c.65C>T, p.Pro22Leu (NM_000351.7, NM_001320753.2, NM_001320754.2); c.101C>T, p.Pro34Leu (NM_001320750.3, NM_001320751.2); short protein forms P22L, P34L.
Identifiers: ClinVar variation 1315048 (VCV001315048.2), dbSNP rs1233947671, ClinGen allele CA412018974.
Genomic context (GRCh38, chrX:7,253,264, plus strand): 5'-AGATCCCTTTCCTCCTACTGTTCTTTCTGTGGGAAGCCGAGAGCCACGCAGCATCAAGGC[C>T]GAACATCATCCTGGTGATGGCTGACGACCTCGGCATTGGAGATCCTGGGTGCTATGGGAA-3'
Protein context (NP_001307681.2, residues 12-32): WEAESHAASR[Pro22Leu]NIILVMADDL

ClinVar aggregate classification (germline): Uncertain significance (1 of 4 stars; one submission).

Allele frequency attached by ClinVar (database versions not stated): gnomAD exomes 0.00002 and 0.00003; TOPMed 0.00002; gnomAD 0.00005.
gnomAD v4.1: 34 of 1,209,464 alleles (0.0028%); highest among the groups gnomAD compares: African/African-American, 0.0035%; no homozygotes.

Submission:

GeneDx
Classification: Uncertain significance. Last evaluated: 2020-10-12. Review status: criteria provided, single submitter. Criteria: GeneDx Variant Classification Process June 2021. Collection method: clinical testing. Allele origin: germline. Affected: yes.
Comment: In silico analysis supports that this missense variant has a deleterious effect on protein structure/function; Has not been previously published as pathogenic or benign to our knowledge